The following is an entry in ClinVar:

NM_025152.3(NUBPL):c.140A>G (p.Gln47Arg)

Gene: NUBPL (NUBP iron-sulfur cluster assembly factor, mitochondrial; plus strand). Cytogenetic location: 14q12.
Variant type: single nucleotide variant.
Coding change: c.140A>G on transcript NM_025152.3 (MANE Select); coding-DNA position 140, A replaced by G.
Protein change: p.Gln47Arg; replaces glutamine 47 with arginine.
Molecular consequence: missense variant. On other transcripts: non-coding transcript variant (1).
Genome position (GRCh38, 1-based): chr14:31,562,099, A>G. VCF-style: chr14-31562099-A-G. GRCh37 (hg19) VCF-style: chr14-32031305-A-G.
Other names: short protein forms Q47R.
Identifiers: ClinVar variation 214880 (VCV000214880.3), dbSNP rs759141485, ClinGen allele CA322470.

ClinVar aggregate classification (germline): Uncertain significance (1 of 4 stars; one submission).

Allele frequency attached by ClinVar (database versions not stated): gnomAD exomes 0.00004 and 0.00002; ExAC 0.00008; gnomAD 0.00011 and 0.00012; 1000 Genomes Project 30x 0.00016.
gnomAD v4.1: 44 of 1,610,694 alleles (0.0027%); highest among the groups gnomAD compares: African/African-American, 0.0013%; no homozygotes.

Submission:

GeneDx
Classification: Uncertain significance. Last evaluated: 2024-11-20. Review status: criteria provided, single submitter. Criteria: GeneDx Variant Classification Process June 2021. Collection method: clinical testing. Allele origin: germline. Affected: yes.
Comment: In silico analysis indicates that this missense variant does not alter protein structure/function; Has not been previously published as pathogenic or benign to our knowledge